The following is an entry in ClinVar:

ClinVar aggregate classification (germline): Benign. Review status: criteria provided, multiple submitters, no conflicts (2 of 4 stars). 3 submissions from 3 submitters: Benign (3). Last evaluated 2026-02-03.

Conditions:
Retinitis pigmentosa (RP). Identifiers: Orphanet 791, MedGen C0035334, MeSH D012174, MONDO:0019200, OMIM 268000. Inheritance: Autosomal dominant, autosomal recessive and X linked inheritance.

Allele frequency attached by ClinVar (database versions not stated): 1000 Genomes Project 0.01358; 1000 Genomes Project 30x 0.01405; TOPMed 0.02411; gnomAD 0.02499 and 0.02527; gnomAD exomes 0.02668 and 0.03383; ExAC 0.02673; ESP Exome Variant Server 0.02776.
gnomAD v4.1: 53,171 of 1,613,966 alleles (3.3%); highest among the groups gnomAD compares: Middle Eastern, 4.2%; 1,012 homozygotes.

Submissions (3):

Labcorp Genetics (formerly Invitae), Labcorp
Classification: Benign. Last evaluated: 2026-02-03. Review status: criteria provided, single submitter. Criteria: Invitae Variant Classification Sherloc (09022015). Collection method: clinical testing. Allele origin: germline.

Illumina Laboratory Services, Illumina
Classification: Benign for Retinitis pigmentosa. Last evaluated: 2018-01-13. Review status: criteria provided, single submitter. Criteria: ICSL Variant Classification Criteria 13 December 2019. Collection method: clinical testing. Allele origin: germline.
Comment: This variant was observed in the ICSL laboratory as part of a predisposition screen in an ostensibly healthy population. It had not been previously curated by ICSL or reported in the Human Gene Mutation Database (HGMD: prior to June 1st, 2018), and was therefore a candidate for classification through an automated scoring system. Utilizing variant allele frequency, disease prevalence and penetrance estimates, and inheritance mode, an automated score was calculated to assess if this variant is too frequent to cause the disease. Based on the score and internal cut-off values, a variant classified as benign is not then subjected to further curation. The score for this variant resulted in a classification of benign for this disease.

Breakthrough Genomics
Classification: Benign. Review status: criteria provided, single submitter. Criteria: ACMG Guidelines, 2015. Collection method: not provided. Allele origin: germline. Inheritance: Autosomal dominant inheritance. Affected: yes.

NM_006445.4(PRPF8):c.993-7A>G

Gene: PRPF8 (pre-mRNA processing factor 8; minus strand). Cytogenetic location: 17p13.3.
Variant type: single nucleotide variant.
Coding change: c.993-7A>G on transcript NM_006445.4 (MANE Select); 7 bases into the intron before coding-DNA position 993, A replaced by G.
Molecular consequence: intron variant.
Genome position (GRCh38, 1-based): chr17:1,680,838, T>C on the plus strand (A>G on the coding strand, the complement: PRPF8 is on the minus strand). VCF-style: chr17-1680838-T-C. GRCh37 (hg19) VCF-style: chr17-1584132-T-C.
Identifiers: ClinVar variation 321914 (VCV000321914.13), dbSNP rs62089988, ClinGen allele CA8272474.
Genomic context (GRCh38, chr17:1,680,838, plus strand): 5'-GCTGGCAAGTCAGGATCCTCAGTTTTGATGAATACAACATTGGGAGTATGGTACCTAAAA[T>C]GAAAGGAAGAGTCAGCCAAAGTTTTCCCGCCCTGGCCCAACCTAAACAGCAGCCTTCTCC-3'